The following is an entry in ClinVar:

ClinVar aggregate classification (germline): Uncertain significance. Review status: criteria provided, multiple submitters, no conflicts (2 of 4 stars). 3 submissions from 3 submitters: Uncertain significance (3). Last evaluated 2026-08-06.

Conditions:
Inborn genetic diseases. Identifiers: MedGen C0950123, MeSH D030342.
Vici syndrome (VICIS). Identifiers: Orphanet 1493, MedGen C1855772, MONDO:0009452, OMIM 242840.

gnomAD v4.1: 5 of 1,614,110 alleles (0.00031%); highest among the groups gnomAD compares: Admixed American, 0.0017%; no homozygotes.

Submissions (3):

OLLIN Analises Genomicas, OLLIN
Classification: Uncertain significance for Vici syndrome. Last evaluated: 2026-08-06. Review status: criteria provided, single submitter. Criteria: ACMG Guidelines 2015 PMID 25741868. Collection method: clinical testing. Allele origin: germline. Inheritance: Autosomal recessive inheritance.
Comment: This missense variant, located in exon 44 (of 44), has been reported in ClinVar (accession VCV000939008.9) and in gnomAD with an allele frequency of 0.00031%. However, to our knowledge, it has not been reported in the scientific literature. In silico analysis predicts that this variant has a deleterious effect. According to the currently available evidence, this variant has been classified as uncertain significance (PM2_P, PP3).

Ambry Genetics
Classification: Uncertain significance for Inborn genetic diseases. Last evaluated: 2025-04-13. Review status: criteria provided, single submitter. Criteria: Ambry Variant Classification Scheme 2023. Collection method: clinical testing. Allele origin: germline.

Labcorp Genetics (formerly Invitae), Labcorp
Classification: Uncertain significance for Vici syndrome. Last evaluated: 2023-10-13. Review status: criteria provided, single submitter. Criteria: Invitae Variant Classification Sherloc (09022015). Collection method: clinical testing. Allele origin: germline.
Comment: This sequence change replaces aspartic acid, which is acidic and polar, with tyrosine, which is neutral and polar, at codon 2538 of the EPG5 protein (p.Asp2538Tyr). This variant is present in population databases (no rsID available, gnomAD 0.003%). This variant has not been reported in the literature in individuals affected with EPG5-related conditions. ClinVar contains an entry for this variant (Variation ID: 939008). Advanced modeling of protein sequence and biophysical properties (such as structural, functional, and spatial information, amino acid conservation, physicochemical variation, residue mobility, and thermodynamic stability) has been performed at Invitae for this missense variant, however the output from this modeling did not meet the statistical confidence thresholds required to predict the impact of this variant on EPG5 protein function. In summary, the available evidence is currently insufficient to determine the role of this variant in disease. Therefore, it has been classified as a Variant of Uncertain Significance.

NM_020964.3(EPG5):c.7612G>T (p.Asp2538Tyr)

Gene: EPG5 (ectopic P-granules 5 autophagy tethering factor; minus strand). Cytogenetic location: 18q12.3.
Variant type: single nucleotide variant.
Coding change: c.7612G>T on transcript NM_020964.3 (MANE Select); coding-DNA position 7612, G replaced by T.
Protein change: p.Asp2538Tyr; replaces aspartic acid 2538 with tyrosine.
Molecular consequence: missense variant.
Genome position (GRCh38, 1-based): chr18:45,852,595, C>A on the plus strand (G>T on the coding strand, the complement: EPG5 is on the minus strand). VCF-style: chr18-45852595-C-A. GRCh37 (hg19) VCF-style: chr18-43432560-C-A.
Other names: short protein forms D2538Y.
Identifiers: ClinVar variation 939008 (VCV000939008.10), dbSNP rs748731055, ClinGen allele CA299685725.